The following is an entry in ClinVar:

NM_001991.5(EZH1):c.1832T>A (p.Leu611His)

Gene: EZH1 (enhancer of zeste 1 polycomb repressive complex 2 subunit; minus strand). Cytogenetic location: 17q21.2.
Variant type: single nucleotide variant.
Coding change: c.1832T>A on transcript NM_001991.5 (MANE Select); coding-DNA position 1832, T replaced by A.
Protein change: p.Leu611His; replaces leucine 611 with histidine.
Molecular consequence: missense variant.
Genome position (GRCh38, 1-based): chr17:42,706,014, A>T on the plus strand (T>A on the coding strand, the complement: EZH1 is on the minus strand). VCF-style: chr17-42706014-A-T. GRCh37 (hg19) VCF-style: chr17-40858032-A-T.
Other names: c.1850T>A, p.Leu617His (NM_001321079.2); c.1805T>A, p.Leu602His (NM_001321081.2); c.1712T>A, p.Leu571His (NM_001321082.2); short protein forms L571H, L602H, L611H, L617H.
Identifiers: ClinVar variation 5037303 (VCV005037303.1).

ClinVar aggregate classification (germline): Uncertain significance (1 of 4 stars; one submission).

gnomAD v4.1: 1 of 1,612,178 alleles (0.000062%); highest among the groups gnomAD compares: Non-Finnish European, 0.000085%; no homozygotes.

Submission:

GeneDx
Classification: Uncertain significance. Last evaluated: 2026-04-16. Review status: criteria provided, single submitter. Criteria: GeneDx Variant Classification Process June 2021. Collection method: clinical testing. Allele origin: germline.
Comment: Not observed at significant frequency in large population cohorts (gnomAD); In silico analysis supports that this missense variant has a deleterious effect on protein structure/function; Has not been previously published as pathogenic or benign to our knowledge